The following is an entry in ClinVar:

NM_001943.5(DSG2):c.2640T>A (p.Asn880Lys)

Genes: DSG2 (desmoglein 2; plus strand), DSG2-AS1 (DSG2 antisense RNA 1; minus strand). Cytogenetic location: 18q12.1.
Variant type: single nucleotide variant.
Coding change: c.2640T>A on transcript NM_001943.5 (MANE Select); coding-DNA position 2640, T replaced by A.
Protein change: p.Asn880Lys; replaces asparagine 880 with lysine.
Molecular consequence: missense variant.
Genome position (GRCh38, 1-based): chr18:31,546,026, T>A. VCF-style: chr18-31546026-T-A. GRCh37 (hg19) VCF-style: chr18-29125989-T-A.
Other names: short protein forms N880K.
Identifiers: ClinVar variation 918295 (VCV000918295.4), dbSNP rs2073304654, ClinGen allele CA402145804.

ClinVar aggregate classification (germline): Uncertain significance (1 of 4 stars; one submission).

Conditions:
Cardiomyopathy (CMYO). Also called: Cardiomyopathies. Identifiers: Orphanet 167848, MedGen C0878544, MONDO:0004994, HP:0001638. Inheritance: Various modes of inheritance.

Submission:

Color Diagnostics, LLC DBA Color Health
Classification: Uncertain significance for Cardiomyopathy. Last evaluated: 2024-03-06. Review status: criteria provided, single submitter. Criteria: ACMG Guidelines, 2015. Collection method: clinical testing. Allele origin: germline.
Comment: This missense variant replaces asparagine with lysine at codon 880 of the DSG2 protein. Computational prediction tool suggests that this variant may not impact protein structure and function (internally defined REVEL score threshold <=0.5, PMID: 27666373). Splice site prediction tools suggest that this variant may not impact RNA splicing. To our knowledge, functional studies have not been performed for this variant. This variant has not been reported in individuals affected with cardiovascular disorders in the literature. This variant has not been identified in the general population by the Genome Aggregation Database (gnomAD). The available evidence is insufficient to determine the role of this variant in disease conclusively. Therefore, this variant is classified as a Variant of Uncertain Significance.